The following is an entry in ClinVar:

NM_002941.4(ROBO1):c.928C>T (p.Arg310Ter)

Gene: ROBO1 (roundabout guidance receptor 1; minus strand). Cytogenetic location: 3p12.3.
Variant type: single nucleotide variant.
Coding change: c.928C>T on transcript NM_002941.4 (MANE Select); coding-DNA position 928, C replaced by T.
Protein change: p.Arg310Ter; replaces arginine 310 with a stop codon.
Molecular consequence: nonsense.
Genome position (GRCh38, 1-based): chr3:78,714,514, G>A on the plus strand (C>T on the coding strand, the complement: ROBO1 is on the minus strand). VCF-style: chr3-78714514-G-A. GRCh37 (hg19) VCF-style: chr3-78763664-G-A.
Other names: c.811C>T, p.Arg271Ter (NM_001145845.2, NM_133631.4); short protein forms R271*, R310*.
Identifiers: ClinVar variation 995977 (VCV000995977.11), dbSNP rs1431830142, ClinGen allele CA353662449.

ClinVar aggregate classification (germline): Pathogenic/Likely pathogenic. Review status: criteria provided, multiple submitters, no conflicts (2 of 4 stars). 3 submissions from 3 submitters: Pathogenic (1); Likely pathogenic (2). Last evaluated 2025-09-29.

Conditions:
Tetralogy of Fallot (TOF). Identifiers: Orphanet 3303, MedGen C0039685, MONDO:0008542, OMIM 187500, HP:0001636.

Allele frequency attached by ClinVar (database versions not stated): gnomAD 0.00001; gnomAD exomes 0.00001; TOPMed 0.00005.
gnomAD v4.1: 11 of 1,608,870 alleles (0.00068%); highest among the groups gnomAD compares: African/African-American, 0.0013%; no homozygotes.

Submissions (3):

GeneDx
Classification: Likely pathogenic. Last evaluated: 2025-09-29. Review status: criteria provided, single submitter. Criteria: GeneDx Variant Classification Process June 2021. Collection method: clinical testing. Allele origin: germline. Affected: yes.
Comment: Nonsense variant predicted to result in protein truncation or nonsense mediated decay in a gene for which loss of function is a known mechanism of disease; This variant is associated with the following publications: (PMID: 28592524, 38325380)

Labcorp Genetics (formerly Invitae), Labcorp
Classification: Pathogenic. Last evaluated: 2024-04-09. Review status: criteria provided, single submitter. Criteria: Invitae Variant Classification Sherloc (09022015). Collection method: clinical testing. Allele origin: germline.
Comment: This sequence change creates a premature translational stop signal (p.Arg310*) in the ROBO1 gene. It is expected to result in an absent or disrupted protein product. Loss-of-function variants in ROBO1 are known to be pathogenic (PMID: 29194579, 35227688). This variant is present in population databases (no rsID available, gnomAD 0.004%). This premature translational stop signal has been observed in individual(s) with ventricular septal defect and congenital diaphragmatic hernia (PMID: 28592524). ClinVar contains an entry for this variant (Variation ID: 995977). For these reasons, this variant has been classified as Pathogenic.

Institute of Human Genetics, University of Leipzig Medical Center
Classification: Likely pathogenic for Tetralogy of Fallot. Last evaluated: 2021-01-09. Review status: criteria provided, single submitter. Criteria: ACMG Guidelines, 2015. Collection method: curation. Allele origin: de novo. Inheritance: Autosomal dominant inheritance. Affected: yes.
Comment: This variant was reported as c.928C>T, p.(R310*) (NM_002941.3) in an individual (Proband 2) with tetralogy of Fallot and septal defects (PMID: 28592524 (kruszka2017)). Inheritance was reported as dominant (heterozygous) (de novo). The variant was reviewed according to current ACMG recommendations and classified as Likely Pathogenic (criteria: PVS1_VeryStrong, PS2_Moderate, PM2_Supporting) at the variant level; the gene-disease association is currently not established in curated databases.

Literature cited by the submitters: PubMed 29194579 (cited by Labcorp Genetics (formerly Invitae), Labcorp); PubMed 35227688 (cited by Labcorp Genetics (formerly Invitae), Labcorp); PubMed 28592524 (cited by Labcorp Genetics (formerly Invitae), Labcorp and Institute of Human Genetics, University of Leipzig Medical Center).